The following is an entry in ClinVar:

ClinVar aggregate classification (germline): Uncertain significance. Review status: criteria provided, multiple submitters, no conflicts (2 of 4 stars). 2 submissions from 2 submitters: Uncertain significance (2). Last evaluated 2025-03-15.

Conditions:
Hereditary cancer-predisposing syndrome. Also called: Neoplastic Syndromes, Hereditary; Tumor predisposition; Hereditary Cancer Syndrome; Hereditary neoplastic syndrome. Identifiers: Orphanet 140162, MedGen C0027672, MeSH D009386, MONDO:0015356.

Allele frequency attached by ClinVar (database versions not stated): gnomAD exomes below 0.00001 and 0.00001; ExAC 0.00001; gnomAD 0.00001; TOPMed 0.00001.
gnomAD v4.1: 4 of 1,611,174 alleles (0.00025%); highest among the groups gnomAD compares: Non-Finnish European, 0.00034%; no homozygotes.

Submissions (2):

Ambry Genetics
Classification: Uncertain significance for Hereditary cancer-predisposing syndrome. Last evaluated: 2025-03-15. Review status: criteria provided, single submitter. Criteria: Ambry Variant Classification Scheme 2023. Collection method: clinical testing. Allele origin: germline.
Comment: The p.G661A variant (also known as c.1982G>C), located in coding exon 13 of the RAD50 gene, results from a G to C substitution at nucleotide position 1982. The glycine at codon 661 is replaced by alanine, an amino acid with similar properties. This amino acid position is highly conserved in available vertebrate species. In addition, the in silico prediction for this alteration is inconclusive. Since supporting evidence is limited at this time, the clinical significance of this alteration remains unclear.

Labcorp Genetics (formerly Invitae), Labcorp
Classification: Uncertain significance for Hereditary cancer-predisposing syndrome. Last evaluated: 2024-10-08. Review status: criteria provided, single submitter. Criteria: Invitae Variant Classification Sherloc (09022015). Collection method: clinical testing. Allele origin: germline.
Comment: This sequence change replaces glycine, which is neutral and non-polar, with alanine, which is neutral and non-polar, at codon 661 of the RAD50 protein (p.Gly661Ala). This variant is present in population databases (rs758063640, gnomAD 0.002%). This variant has not been reported in the literature in individuals affected with RAD50-related conditions. ClinVar contains an entry for this variant (Variation ID: 187332). Invitae Evidence Modeling of protein sequence and biophysical properties (such as structural, functional, and spatial information, amino acid conservation, physicochemical variation, residue mobility, and thermodynamic stability) indicates that this missense variant is not expected to disrupt RAD50 protein function with a negative predictive value of 80%. In summary, the available evidence is currently insufficient to determine the role of this variant in disease. Therefore, it has been classified as a Variant of Uncertain Significance.

NM_005732.4(RAD50):c.1982G>C (p.Gly661Ala)

Gene: RAD50 (RAD50 double strand break repair protein; plus strand). Cytogenetic location: 5q31.1.
Variant type: single nucleotide variant.
Coding change: c.1982G>C on transcript NM_005732.4 (MANE Select); coding-DNA position 1982, G replaced by C.
Protein change: p.Gly661Ala; replaces glycine 661 with alanine.
Molecular consequence: missense variant.
Genome position (GRCh38, 1-based): chr5:132,595,585, G>C. VCF-style: chr5-132595585-G-C. GRCh37 (hg19) VCF-style: chr5-131931277-G-C.
Other names: short protein forms G661A.
Identifiers: ClinVar variation 187332 (VCV000187332.15), dbSNP rs758063640, ClinGen allele CA197374.